The following is an entry in ClinVar:

NM_000404.4(GLB1):c.*376C>G

Gene: GLB1 (galactosidase beta 1; minus strand). Cytogenetic location: 3p22.3.
Variant type: single nucleotide variant.
Coding change: c.*376C>G on transcript NM_000404.4 (MANE Select); 376 bases downstream of the stop codon, C replaced by G.
Molecular consequence: 3 prime UTR variant. On other transcripts: intron variant (1).
Genome position (GRCh38, 1-based): chr3:32,996,669, G>C on the plus strand (C>G on the coding strand, the complement: GLB1 is on the minus strand). VCF-style: chr3-32996669-G-C. GRCh37 (hg19) VCF-style: chr3-33038161-G-C.
Other names: c.*376C>G (NM_001079811.3, NM_001135602.3, NM_001317040.2); c.1734+17387C>G (NM_001393580.1).
Identifiers: ClinVar variation 344777 (VCV000344777.5), dbSNP rs147437116, ClinGen allele CA10616124.

ClinVar aggregate classification (germline): Likely benign. Review status: criteria provided, single submitter (1 of 4 stars). 2 submissions from 1 submitter: Likely benign (2). Last evaluated 2018-01-13.

Conditions:
GM1 gangliosidosis. Identifiers: Orphanet 354, MedGen C0085131, MONDO:0018149.
Mucopolysaccharidosis, MPS-IV-B (MPS4B). Also called: Mucopolysaccharidosis type IV B; Mucopolysaccharidosis Type IVB (Morquio B Disease); Mucopolysaccharidosis type 4B; Mucopolysaccharidosis type IVB (Morquio); MPS IVB; Mucopolysaccharidosis Type IVB. Identifiers: Orphanet 309310, Orphanet 582, MedGen C0086652, MONDO:0009660, OMIM 253010.

Allele frequency attached by ClinVar (database versions not stated): TOPMed 0.00202; 1000 Genomes Project 30x 0.00219; 1000 Genomes Project 0.00240; gnomAD exomes 0.00376; gnomAD 0.00659.
gnomAD v4.1: 1,268 of 304,968 alleles (0.42%); highest among the groups gnomAD compares: Non-Finnish European, 0.4%; 6 homozygotes.

Submissions (2):

Illumina Laboratory Services, Illumina
Classification: Likely benign for GM1 gangliosidosis. Last evaluated: 2018-01-13. Review status: criteria provided, single submitter. Criteria: ICSL Variant Classification Criteria 13 December 2019. Collection method: clinical testing. Allele origin: germline.
Comment: This variant was observed in the ICSL laboratory as part of a predisposition screen in an ostensibly healthy population. It had not been previously curated by ICSL or reported in the Human Gene Mutation Database (HGMD: prior to June 1st, 2018), and was therefore a candidate for classification through an automated scoring system. Utilizing variant allele frequency, disease prevalence and penetrance estimates, and inheritance mode, an automated score was calculated to assess if this variant is too frequent to cause the disease. Based on the score and internal cut-off values, a variant classified as likely benign is not then subjected to further curation. The score for this variant resulted in a classification of likely benign for this disease.

Illumina Laboratory Services, Illumina
Classification: Likely benign for Mucopolysaccharidosis, MPS-IV-B. Last evaluated: 2018-01-13. Review status: criteria provided, single submitter. Criteria: ICSL Variant Classification Criteria 13 December 2019. Collection method: clinical testing. Allele origin: germline.
Comment: the same text as in the submission from Illumina Laboratory Services, Illumina above.